The following is an entry in ClinVar:

ClinVar aggregate classification (germline): Likely pathogenic. Review status: criteria provided, multiple submitters, no conflicts (2 of 4 stars). 2 submissions from 2 submitters: Likely pathogenic (2). Last evaluated 2022-09-01.

Conditions:
Charcot-Marie-Tooth disease type 2. Also called: Charcot-Marie-Tooth type 2. Identifiers: Orphanet 64746, MedGen C0270914, MONDO:0018993.
LMNA-related disorder. Also called: LMNA-related condition; LMNA-related disease; LMNA-related disorders. Identifiers: MedGen CN380145.

Submissions (2):

Labcorp Genetics (formerly Invitae), Labcorp
Classification: Likely pathogenic for Charcot-Marie-Tooth disease type 2. Last evaluated: 2022-09-01. Review status: criteria provided, single submitter. Criteria: Invitae Variant Classification Sherloc (09022015). Collection method: clinical testing. Allele origin: germline.
Comment: In summary, the currently available evidence indicates that the variant is pathogenic, but additional data are needed to prove that conclusively. Therefore, this variant has been classified as Likely Pathogenic. Algorithms developed to predict the effect of missense changes on protein structure and function (SIFT, PolyPhen-2, Align-GVGD) all suggest that this variant is likely to be disruptive. ClinVar contains an entry for this variant (Variation ID: 962895). This missense change has been observed in individual(s) with laminopathies (PMID: 20848652, 34240052; Invitae). In at least one individual the variant was observed to be de novo. This variant is not present in population databases (gnomAD no frequency). This sequence change replaces tryptophan, which is neutral and slightly polar, with arginine, which is basic and polar, at codon 467 of the LMNA protein (p.Trp467Arg).

Blueprint Genetics
Classification: Likely pathogenic for LMNA-related disorders. Last evaluated: 2019-06-26. Review status: criteria provided, single submitter. Criteria: ACMG Guidelines, 2015. Collection method: clinical testing. Allele origin: germline. Affected: yes. Observed: 1 variant allele.

Literature cited by the submitters: PubMed 20848652 (cited by Labcorp Genetics (formerly Invitae), Labcorp); PubMed 34240052 (cited by Labcorp Genetics (formerly Invitae), Labcorp).

NM_170707.4(LMNA):c.1399T>A (p.Trp467Arg)

Gene: LMNA (lamin A/C; plus strand). Cytogenetic location: 1q22.
Variant type: single nucleotide variant.
Coding change: c.1399T>A on transcript NM_170707.4 (MANE Select); coding-DNA position 1399, T replaced by A.
Protein change: p.Trp467Arg; replaces tryptophan 467 with arginine.
Molecular consequence: missense variant.
Genome position (GRCh38, 1-based): chr1:156,136,939, T>A. VCF-style: chr1-156136939-T-A. GRCh37 (hg19) VCF-style: chr1-156106730-T-A.
Other names: c.1063T>A, p.Trp355Arg (NM_001257374.3); c.1156T>A, p.Trp386Arg (NM_001282624.2); c.1399T>A, p.Trp467Arg (NM_001282625.2, NM_001282626.2, NM_005572.4 and 1 more transcripts); short protein forms W355R, W386R, W467R.
Identifiers: ClinVar variation 962895 (VCV000962895.10), dbSNP rs267607639, ClinGen allele CA342822470.